The following is an entry in ClinVar:

NM_032043.3(BRIP1):c.2832G>C (p.Gln944His)

Gene: BRIP1 (BRCA1 interacting DNA helicase 1; minus strand). Cytogenetic location: 17q23.2.
Variant type: single nucleotide variant.
Coding change: c.2832G>C on transcript NM_032043.3 (MANE Select); coding-DNA position 2832, G replaced by C.
Protein change: p.Gln944His; replaces glutamine 944 with histidine.
Molecular consequence: missense variant.
Genome position (GRCh38, 1-based): chr17:61,685,909, C>G on the plus strand (G>C on the coding strand, the complement: BRIP1 is on the minus strand). VCF-style: chr17-61685909-C-G. GRCh37 (hg19) VCF-style: chr17-59763270-C-G.
Other names: short protein forms Q944H.
Identifiers: ClinVar variation 1042542 (VCV001042542.12), dbSNP rs1603276606, ClinGen allele CA400481409.

ClinVar aggregate classification (germline): Uncertain significance. Review status: criteria provided, multiple submitters, no conflicts (2 of 4 stars). 2 submissions from 2 submitters: Uncertain significance (2). Last evaluated 2022-10-05.

Conditions:
Fanconi anemia complementation group J. Also called: BRIP1-Related Fanconi Anemia. Identifiers: Orphanet 84, MedGen C1836860, MONDO:0012187, OMIM 609054.
Familial cancer of breast. Also called: BREAST CANCER, FAMILIAL; Hereditary breast cancer; hereditary breast carcinoma. Identifiers: Orphanet 227535, MedGen C0346153, MONDO:0016419, OMIM 114480. Disease mechanism: loss of function.
Hereditary cancer-predisposing syndrome. Also called: Hereditary neoplastic syndrome; Neoplastic Syndromes, Hereditary; Tumor predisposition; Hereditary Cancer Syndrome. Identifiers: Orphanet 140162, MedGen C0027672, MeSH D009386, MONDO:0015356.

Submissions (2):

Ambry Genetics
Classification: Uncertain significance for Hereditary cancer-predisposing syndrome. Last evaluated: 2022-10-05. Review status: criteria provided, single submitter. Criteria: Ambry Variant Classification Scheme 2023. Collection method: clinical testing. Allele origin: germline.
Comment: The p.Q944H variant (also known as c.2832G>C), located in coding exon 18 of the BRIP1 gene, results from a G to C substitution at nucleotide position 2832. The glutamine at codon 944 is replaced by histidine, an amino acid with highly similar properties. This amino acid position is conserved. In addition, this alteration is predicted to be tolerated by in silico analysis. Since supporting evidence is limited at this time, the clinical significance of this alteration remains unclear.

Labcorp Genetics (formerly Invitae), Labcorp
Classification: Uncertain significance for Familial cancer of breast; Fanconi anemia complementation group J. Last evaluated: 2020-02-25. Review status: criteria provided, single submitter. Criteria: Invitae Variant Classification Sherloc (09022015). Collection method: clinical testing. Allele origin: germline.
Comment: Algorithms developed to predict the effect of missense changes on protein structure and function (SIFT, PolyPhen-2, Align-GVGD) all suggest that this variant is likely to be tolerated, but these predictions have not been confirmed by published functional studies and their clinical significance is uncertain. In summary, the available evidence is currently insufficient to determine the role of this variant in disease. Therefore, it has been classified as a Variant of Uncertain Significance. This variant has not been reported in the literature in individuals with BRIP1-related conditions. This sequence change replaces glutamine with histidine at codon 944 of the BRIP1 protein (p.Gln944His). The glutamine residue is weakly conserved and there is a small physicochemical difference between glutamine and histidine. This variant is not present in population databases (ExAC no frequency).